The following is an entry in ClinVar:

ClinVar aggregate classification (germline): Benign. Review status: criteria provided, multiple submitters, no conflicts (2 of 4 stars). 2 submissions from 2 submitters: Benign (2). Last evaluated 2018-06-14.

Allele frequency attached by ClinVar (database versions not stated): gnomAD 0.01978; TOPMed 0.02206; ESP Exome Variant Server 0.02220; 1000 Genomes Project 0.02396; 1000 Genomes Project 30x 0.02436.
gnomAD v4.1: 5,468 of 1,482,614 alleles (0.37%); highest among the groups gnomAD compares: African/African-American, 6.6%; 179 homozygotes.

Submissions (2):

GeneDx
Classification: Benign. Last evaluated: 2018-06-14. Review status: criteria provided, single submitter. Criteria: GeneDx Variant Classification (06012015). Collection method: clinical testing. Allele origin: germline. Affected: yes.
Comment: This variant is considered likely benign or benign based on one or more of the following criteria: it is a conservative change, it occurs at a poorly conserved position in the protein, it is predicted to be benign by multiple in silico algorithms, and/or has population frequency not consistent with disease.

Breakthrough Genomics
Classification: Benign. Review status: criteria provided, single submitter. Criteria: ACMG Guidelines, 2015. Collection method: not provided. Allele origin: germline. Inheritance: Autosomal dominant inheritance. Affected: yes.

NM_001165963.4(SCN1A):c.964+41T>A

Gene: SCN1A (sodium voltage-gated channel alpha subunit 1; minus strand). Cytogenetic location: 2q24.3.
Variant type: single nucleotide variant.
Coding change: c.964+41T>A on transcript NM_001165963.4 (MANE Select); 41 bases into the intron after coding-DNA position 964, T replaced by A.
Molecular consequence: intron variant.
Genome position (GRCh38, 1-based): chr2:166,051,678, A>T on the plus strand (T>A on the coding strand, the complement: SCN1A is on the minus strand). VCF-style: chr2-166051678-A-T. GRCh37 (hg19) VCF-style: chr2-166908188-A-T.
Other names: c.964+41T>A (NM_001353949.2, NM_001353958.2, NM_001353950.2 and 10 more transcripts); c.-1462+41T>A (NM_001353961.2).
Identifiers: ClinVar variation 674452 (VCV000674452.2), dbSNP rs74655577, ClinGen allele CA1943407.